The following is an entry in ClinVar:

NM_004304.5(ALK):c.1036A>C (p.Thr346Pro)

Gene: ALK (ALK receptor tyrosine kinase; minus strand). Cytogenetic location: 2p23.2.
Variant type: single nucleotide variant.
Coding change: c.1036A>C on transcript NM_004304.5 (MANE Select); coding-DNA position 1036, A replaced by C.
Protein change: p.Thr346Pro; replaces threonine 346 with proline.
Molecular consequence: missense variant.
Genome position (GRCh38, 1-based): chr2:29,532,033, T>G on the plus strand (A>C on the coding strand, the complement: ALK is on the minus strand). VCF-style: chr2-29532033-T-G. GRCh37 (hg19) VCF-style: chr2-29754899-T-G.
Other names: short protein forms T346P.
Identifiers: ClinVar variation 1015171 (VCV001015171.8), dbSNP rs1673134390, ClinGen allele CA346587406.

ClinVar aggregate classification (germline): Uncertain significance (1 of 4 stars; one submission).

Conditions:
Neuroblastoma, susceptibility to, 3. Also called: ALK-Related Neuroblastic Tumor Susceptibility. Identifiers: Orphanet 635, MedGen C2751681, MONDO:0013083, OMIM 613014.

Submission:

Labcorp Genetics (formerly Invitae), Labcorp
Classification: Uncertain significance for Neuroblastoma, susceptibility to, 3. Last evaluated: 2020-10-06. Review status: criteria provided, single submitter. Criteria: Invitae Variant Classification Sherloc (09022015). Collection method: clinical testing. Allele origin: germline.
Comment: This sequence change replaces threonine with proline at codon 346 of the ALK protein (p.Thr346Pro). The threonine residue is moderately conserved and there is a small physicochemical difference between threonine and proline. In summary, the available evidence is currently insufficient to determine the role of this variant in disease. Therefore, it has been classified as a Variant of Uncertain Significance. Algorithms developed to predict the effect of missense changes on protein structure and function are either unavailable or do not agree on the potential impact of this missense change (SIFT: "Deleterious"; PolyPhen-2: "Benign"; Align-GVGD: "Class C0"). This variant has not been reported in the literature in individuals with ALK-related conditions. This variant is not present in population databases (ExAC no frequency).